The following is an entry in ClinVar:

ClinVar aggregate classification (germline): Uncertain significance (1 of 4 stars; one submission).

Submission:

Labcorp Genetics (formerly Invitae), Labcorp
Classification: Uncertain significance. Last evaluated: 2025-07-30. Review status: criteria provided, single submitter. Criteria: Invitae Variant Classification Sherloc (09022015). Collection method: clinical testing. Allele origin: germline.
Comment: This sequence change affects codon 1088 of the A2ML1 mRNA. It is a 'silent' change, meaning that it does not change the encoded amino acid sequence of the A2ML1 protein. This variant also falls at the last nucleotide of exon 26, which is part of the consensus splice site for this exon. This variant is not present in population databases (gnomAD no frequency). This variant has not been reported in the literature in individuals affected with A2ML1-related conditions. Variants that disrupt the consensus splice site are a relatively common cause of aberrant splicing (PMID: 17576681, 9536098). Algorithms developed to predict the effect of sequence changes on RNA splicing suggest that this variant may disrupt the consensus splice site. In summary, the available evidence is currently insufficient to determine the role of this variant in disease. Therefore, it has been classified as a Variant of Uncertain Significance.

Literature cited by the submitters: PubMed 17576681; PubMed 9536098.

NM_144670.6(A2ML1):c.3264G>A (p.Lys1088=)

Gene: A2ML1 (alpha-2-macroglobulin like 1; plus strand). Cytogenetic location: 12p13.31.
Variant type: single nucleotide variant.
Coding change: c.3264G>A on transcript NM_144670.6 (MANE Select); coding-DNA position 3264, G replaced by A.
Protein change: p.Lys1088=; no amino-acid change (lysine 1088 retained).
Molecular consequence: synonymous variant.
Genome position (GRCh38, 1-based): chr12:8,858,102, G>A. VCF-style: chr12-8858102-G-A. GRCh37 (hg19) VCF-style: chr12-9010698-G-A.
Other names: c.1791G>A, p.Lys597= (NM_001282424.3).
Identifiers: ClinVar variation 4724402 (VCV004724402.1).
Genomic context (GRCh38, chr12:8,858,102, plus strand): 5'-AAACCAGCTCCCCAGTGGCTGCTATGCCAACGTGGGAAATCTCCTTCACACAGCTATGAA[G>A]GTGCGGATCTGTCCAGGAGCCTGCAGCCAACCACTGTCTCGAAGGACCCCACACCTCTGA-3'
Protein context (NP_653271.3, residues 1078-1098): NVGNLLHTAM[Lys1088=]GGVDDEVSLT